The following is an entry in ClinVar:

ClinVar aggregate classification (germline): Uncertain significance (1 of 4 stars; one submission).

Conditions:
Autosomal dominant limb-girdle muscular dystrophy type 1G (LGMDD3). Also called: MUSCULAR DYSTROPHY, LIMB-GIRDLE, AUTOSOMAL DOMINANT 3; Limb-girdle muscular dystrophy, type 1G. Identifiers: Orphanet 55596, MedGen C1836765, MONDO:0012193, OMIM 609115.

Submission:

Labcorp Genetics (formerly Invitae), Labcorp
Classification: Uncertain significance for Autosomal dominant limb-girdle muscular dystrophy type 1G. Last evaluated: 2022-07-16. Review status: criteria provided, single submitter. Criteria: Invitae Variant Classification Sherloc (09022015). Collection method: clinical testing. Allele origin: germline.
Comment: In summary, the available evidence is currently insufficient to determine the role of this variant in disease. Therefore, it has been classified as a Variant of Uncertain Significance. Algorithms developed to predict the effect of missense changes on protein structure and function are either unavailable or do not agree on the potential impact of this missense change (SIFT: "Deleterious"; PolyPhen-2: "Benign"; Align-GVGD: "Class C0"). This variant has not been reported in the literature in individuals affected with HNRNPDL-related conditions. This variant is not present in population databases (gnomAD no frequency). This sequence change replaces leucine, which is neutral and non-polar, with valine, which is neutral and non-polar, at codon 45 of the HNRNPDL protein (p.Leu45Val).

NM_031372.4(HNRNPDL):c.133C>G (p.Leu45Val)

Gene: HNRNPDL (heterogeneous nuclear ribonucleoprotein D like; minus strand). Cytogenetic location: 4q21.22.
Variant type: single nucleotide variant.
Coding change: c.133C>G on transcript NM_031372.4 (MANE Select); coding-DNA position 133, C replaced by G.
Protein change: p.Leu45Val; replaces leucine 45 with valine.
Molecular consequence: missense variant. On other transcripts: non-coding transcript variant (1).
Genome position (GRCh38, 1-based): chr4:82,429,558, G>C on the plus strand (C>G on the coding strand, the complement: HNRNPDL is on the minus strand). VCF-style: chr4-82429558-G-C. GRCh37 (hg19) VCF-style: chr4-83350711-G-C.
Other names: c.133C>G, p.Leu45Val (NM_001207000.1); short protein forms L45V.
Identifiers: ClinVar variation 1966078 (VCV001966078.5), dbSNP rs779364180, ClinGen allele CA357173012.